The following is an entry in ClinVar:

NM_019074.4(DLL4):c.1873G>C (p.Gly625Arg)

Gene: DLL4 (delta like canonical Notch ligand 4; plus strand). Cytogenetic location: 15q15.1.
Variant type: single nucleotide variant.
Coding change: c.1873G>C on transcript NM_019074.4 (MANE Select); coding-DNA position 1873, G replaced by C.
Protein change: p.Gly625Arg; replaces glycine 625 with arginine.
Molecular consequence: missense variant.
Genome position (GRCh38, 1-based): chr15:40,936,860, G>C. VCF-style: chr15-40936860-G-C. GRCh37 (hg19) VCF-style: chr15-41229058-G-C.
Other names: short protein forms G625R.
Identifiers: ClinVar variation 1975164 (VCV001975164.5), dbSNP rs374530606, ClinGen allele CA7488011.
Genomic context (GRCh38, chr15:40,936,860, plus strand): 5'-TGTGGCAAACAGCAAAACCACACATTGGACTATAATCTGGCCCCAGGGCCCCTGGGGCGG[G>C]GGACCATGCCAGGAAAGTTTCCCCACAGTGACAAGAGCTTAGGAGAGAAGGCGCCACTGC-3'
Protein context (NP_061947.1, residues 615-635): YNLAPGPLGR[Gly625Arg]TMPGKFPHSD

ClinVar aggregate classification (germline): Uncertain significance (1 of 4 stars; one submission).

gnomAD v4.1: 5 of 1,613,210 alleles (0.00031%); highest among the groups gnomAD compares: Admixed American, 0.0083%; no homozygotes.

Submission:

Labcorp Genetics (formerly Invitae), Labcorp
Classification: Uncertain significance. Last evaluated: 2026-01-12. Review status: criteria provided, single submitter. Criteria: Invitae Variant Classification Sherloc (09022015). Collection method: clinical testing. Allele origin: germline.
Comment: This sequence change replaces glycine, which is neutral and non-polar, with arginine, which is basic and polar, at codon 625 of the DLL4 protein (p.Gly625Arg). This variant is present in population databases (rs374530606, gnomAD 0.01%). This variant has not been reported in the literature in individuals affected with DLL4-related conditions. ClinVar contains an entry for this variant (Variation ID: 1975164). Invitae Evidence Modeling of protein sequence and biophysical properties (such as structural, functional, and spatial information, amino acid conservation, physicochemical variation, residue mobility, and thermodynamic stability) indicates that this missense variant is not expected to disrupt DLL4 protein function with a negative predictive value of 80%. In summary, the available evidence is currently insufficient to determine the role of this variant in disease. Therefore, it has been classified as a Variant of Uncertain Significance.